The following is an entry in ClinVar:

ClinVar aggregate classification (germline): Uncertain significance (1 of 4 stars; one submission).

Conditions:
Platelet abnormalities with eosinophilia and immune-mediated inflammatory disease. Also called: IMMUNODEFICIENCY 71 WITH INFLAMMATORY DISEASE AND CONGENITAL THROMBOCYTOPENIA. Identifiers: MedGen C4540232, MONDO:0060583, OMIM 617718.

Submission:

Juno Genomics, Hangzhou Juno Genomics, Inc
Classification: Uncertain significance for Platelet abnormalities with eosinophilia and immune-mediated inflammatory disease. Review status: criteria provided, single submitter. Criteria: ACMG Guidelines, 2015. Collection method: clinical testing. Allele origin: germline.
Comment: Absent from controls (or at extremely low frequency if recessive) in Genome Aggregation Database.;Multiple lines of computational evidence support a deleterious effect on the gene or gene product.

NM_005720.4(ARPC1B):c.263C>T (p.Pro88Leu)

Gene: ARPC1B (actin related protein 2/3 complex subunit 1B; plus strand). Cytogenetic location: 7q22.1.
Variant type: single nucleotide variant.
Coding change: c.263C>T on transcript NM_005720.4 (MANE Select); coding-DNA position 263, C replaced by T.
Protein change: p.Pro88Leu; replaces proline 88 with leucine.
Molecular consequence: missense variant.
Genome position (GRCh38, 1-based): chr7:99,388,132, C>T. VCF-style: chr7-99388132-C-T. GRCh37 (hg19) VCF-style: chr7-98985755-C-T.
Other names: short protein forms P88L.
Identifiers: ClinVar variation 5007257 (VCV005007257.2).
Genomic context (GRCh38, chr7:99,388,132, plus strand): 5'-TGACCTGCGGCACAGACCGCAACGCCTACGTGTGGACGCTGAAGGGCCGCACATGGAAGC[C>T]CACGCTGGTCATCCTGCGGATCAACCGGGCTGCCCGCTGCGTGCGCTGGGCCCCCAACGA-3'
Protein context (NP_005711.1, residues 78-98): VWTLKGRTWK[Pro88Leu]TLVILRINRA